The following is an entry in ClinVar:

ClinVar aggregate classification (germline): Conflicting classifications of pathogenicity. Review status: criteria provided, conflicting classifications (1 of 4 stars). 2 submissions from 2 submitters: Uncertain significance (1); Benign (1). Last evaluated 2025-08-31.

Conditions:
Primary ciliary dyskinesia. Also called: Ciliary dyskinesia. Identifiers: Orphanet 244, MedGen C0008780, MONDO:0016575, HP:0012265.

gnomAD v4.1: 25 of 1,614,024 alleles (0.0015%); highest among the groups gnomAD compares: South Asian, 0.026%; no homozygotes.

Submissions (2):

Labcorp Genetics (formerly Invitae), Labcorp
Classification: Benign for Primary ciliary dyskinesia. Last evaluated: 2025-08-31. Review status: criteria provided, single submitter. Criteria: Invitae Variant Classification Sherloc (09022015). Collection method: clinical testing. Allele origin: germline.

GeneDx
Classification: Uncertain significance. Last evaluated: 2024-06-11. Review status: criteria provided, single submitter. Criteria: GeneDx Variant Classification Process June 2021. Collection method: clinical testing. Allele origin: germline. Affected: yes.
Comment: In silico analysis indicates that this missense variant does not alter protein structure/function; Has not been previously published as pathogenic or benign to our knowledge

NM_001369.3(DNAH5):c.11739A>C (p.Glu3913Asp)

Gene: DNAH5 (dynein axonemal heavy chain 5; minus strand). Cytogenetic location: 5p15.2.
Variant type: single nucleotide variant.
Coding change: c.11739A>C on transcript NM_001369.3 (MANE Select); coding-DNA position 11739, A replaced by C.
Protein change: p.Glu3913Asp; replaces glutamic acid 3913 with aspartic acid.
Molecular consequence: missense variant.
Genome position (GRCh38, 1-based): chr5:13,735,153, T>G on the plus strand (A>C on the coding strand, the complement: DNAH5 is on the minus strand). VCF-style: chr5-13735153-T-G. GRCh37 (hg19) VCF-style: chr5-13735262-T-G.
Other names: c.11739A>C (NM_001369.2); short protein forms E3913D.
Identifiers: ClinVar variation 2201952 (VCV002201952.5), dbSNP rs748787177, ClinGen allele CA3201866.